The following is an entry in ClinVar:

ClinVar aggregate classification (germline): Uncertain significance. Review status: criteria provided, multiple submitters, no conflicts (2 of 4 stars). 3 submissions from 3 submitters: Uncertain significance (3). Last evaluated 2025-12-01.

Conditions:
OTOG-related disorder. Also called: OTOG-related condition.

Allele frequency attached by ClinVar (database versions not stated): gnomAD exomes 0.00009; gnomAD 0.00010 and 0.00011; TOPMed 0.00010.
gnomAD v4.1: 136 of 1,550,280 alleles (0.0088%); highest among the groups gnomAD compares: Admixed American, 0.027%; no homozygotes.

Submissions (3):

PreventionGenetics, part of Exact Sciences
Classification: Uncertain significance for OTOG-related condition. Last evaluated: 2025-12-01. Review status: criteria provided, single submitter. Criteria: ACMG Guidelines, 2015. Collection method: clinical testing. Allele origin: germline.
Comment: The OTOG c.7504G>C variant is predicted to result in the amino acid substitution p.Gly2502Arg. To our knowledge, this variant has not been reported in the literature. This variant is reported in 0.041% of alleles in individuals of Latino descent in gnomAD. At this time, the clinical significance of this variant is uncertain due to the absence of conclusive functional and genetic evidence.

GeneDx
Classification: Uncertain significance. Last evaluated: 2025-07-09. Review status: criteria provided, single submitter. Criteria: GeneDx Variant Classification Process June 2021. Collection method: clinical testing. Allele origin: germline.
Comment: In silico analysis suggests that this missense variant does not alter protein structure/function; Has not been previously published as pathogenic or benign to our knowledge

Labcorp Genetics (formerly Invitae), Labcorp
Classification: Uncertain significance. Last evaluated: 2021-11-04. Review status: criteria provided, single submitter. Criteria: Invitae Variant Classification Sherloc (09022015). Collection method: clinical testing. Allele origin: germline.
Comment: This sequence change replaces glycine, which is neutral and non-polar, with arginine, which is basic and polar, at codon 2502 of the OTOG protein (p.Gly2502Arg). This variant is present in population databases (rs775563146, gnomAD 0.04%). This variant has not been reported in the literature in individuals affected with OTOG-related conditions. Algorithms developed to predict the effect of missense changes on protein structure and function output the following: SIFT: "Tolerated"; PolyPhen-2: "Possibly Damaging"; Align-GVGD: "Class C0". The arginine amino acid residue is found in multiple mammalian species, which suggests that this missense change does not adversely affect protein function. In summary, the available evidence is currently insufficient to determine the role of this variant in disease. Therefore, it has been classified as a Variant of Uncertain Significance.

NM_001292063.2(OTOG):c.7468G>C (p.Gly2490Arg)

Gene: OTOG (otogelin; plus strand). Cytogenetic location: 11p15.1.
Variant type: single nucleotide variant.
Coding change: c.7468G>C on transcript NM_001292063.2 (MANE Select); coding-DNA position 7468, G replaced by C.
Protein change: p.Gly2490Arg; replaces glycine 2490 with arginine.
Molecular consequence: missense variant.
Genome position (GRCh38, 1-based): chr11:17,634,269, G>C. VCF-style: chr11-17634269-G-C. GRCh37 (hg19) VCF-style: chr11-17655816-G-C.
Other names: c.7504G>C, p.Gly2502Arg (NM_001277269.2); c.7504G>C (NM_001277269.1); short protein forms G2490R, G2502R.
Identifiers: ClinVar variation 1374184 (VCV001374184.6), dbSNP rs775563146, ClinGen allele CA218498073.